The following is an entry in ClinVar:

NM_015272.5(RPGRIP1L):c.2810G>A (p.Arg937His)

Gene: RPGRIP1L (RPGRIP1 like; minus strand). Cytogenetic location: 16q12.2.
Variant type: single nucleotide variant.
Coding change: c.2810G>A on transcript NM_015272.5 (MANE Select); coding-DNA position 2810, G replaced by A.
Protein change: p.Arg937His; replaces arginine 937 with histidine.
Molecular consequence: missense variant.
Genome position (GRCh38, 1-based): chr16:53,641,349, C>T on the plus strand (G>A on the coding strand, the complement: RPGRIP1L is on the minus strand). VCF-style: chr16-53641349-C-T. GRCh37 (hg19) VCF-style: chr16-53675261-C-T.
Other names: c.2810G>A, p.Arg937His (NM_001127897.4, NM_001308334.3, NM_001330538.2); c.2810G>A (NM_015272.4); short protein forms R937H.
Identifiers: ClinVar variation 2368126 (VCV002368126.4), dbSNP rs776795273, ClinGen allele CA395927235.
Genomic context (GRCh38, chr16:53,641,349, plus strand): 5'-ACTAGTGTGCTAACAGAGGATGCTGGAGGAAGTCTTTGAACAACTTCTGGCTCTTCGCTG[C>T]GAATGAAATTTCCTAAGTCTTCAGTTGTTATTGATCCACTTGGTGGAAGGTAAGCAAATT-3'
Protein context (NP_056087.2, residues 927-947): ITTEDLGNFI[Arg937His]SEEPEVVQRL

ClinVar aggregate classification (germline): Likely benign. Review status: criteria provided, single submitter (1 of 4 stars). 2 submissions from 2 submitters: Likely benign (1). 1 of the submissions does not count toward it. Last evaluated 2022-05-04.

Conditions:
RPGRIP1L-related disorder. Also called: RPGRIP1L-related disorders; RPGRIP1L-related condition. Identifiers: MedGen CN239416.
Inborn genetic diseases. Identifiers: MedGen C0950123, MeSH D030342.

gnomAD v4.1: 41 of 1,613,902 alleles (0.0025%); highest among the groups gnomAD compares: East Asian, 0.0067%; no homozygotes.

Submissions (2):

Ambry Genetics
Classification: Likely benign for Inborn genetic diseases. Last evaluated: 2022-05-04. Review status: criteria provided, single submitter. Criteria: Ambry Variant Classification Scheme 2023. Collection method: clinical testing. Allele origin: germline.

PreventionGenetics, part of Exact Sciences
Classification: Uncertain significance for RPGRIP1L-related condition. Last evaluated: 2024-07-09. Review status: no assertion criteria provided. Collection method: clinical testing. Allele origin: germline. Not counted in ClinVar's aggregate classification.
Comment: The RPGRIP1L c.2810G>A variant is predicted to result in the amino acid substitution p.Arg937His. To our knowledge, this variant has not been reported in the literature. This variant is reported in 0.0054% of alleles in individuals of East Asian descent in gnomAD. At this time, the clinical significance of this variant is uncertain due to the absence of conclusive functional and genetic evidence.